The following is an entry in ClinVar:

ClinVar aggregate classification (germline): Uncertain significance (1 of 4 stars; one submission).

Conditions:
Gastrointestinal stromal tumor. Also called: Gastrointestinal stromal tumor, somatic; Gastrointestinal stroma tumor. Identifiers: Orphanet 44890, MedGen C0238198, MeSH D046152, MONDO:0011719, OMIM 606764, HP:0100723.

Submission:

Labcorp Genetics (formerly Invitae), Labcorp
Classification: Uncertain significance for Gastrointestinal stromal tumor. Last evaluated: 2024-10-15. Review status: criteria provided, single submitter. Criteria: Invitae Variant Classification Sherloc (09022015). Collection method: clinical testing. Allele origin: germline.
Comment: This sequence change replaces glutamic acid, which is acidic and polar, with alanine, which is neutral and non-polar, at codon 750 of the PDGFRA protein (p.Glu750Ala). This variant is not present in population databases (gnomAD no frequency). This variant has not been reported in the literature in individuals affected with PDGFRA-related conditions. Invitae Evidence Modeling of protein sequence and biophysical properties (such as structural, functional, and spatial information, amino acid conservation, physicochemical variation, residue mobility, and thermodynamic stability) indicates that this missense variant is not expected to disrupt PDGFRA protein function with a negative predictive value of 80%. In summary, the available evidence is currently insufficient to determine the role of this variant in disease. Therefore, it has been classified as a Variant of Uncertain Significance.

NM_006206.6(PDGFRA):c.2249A>C (p.Glu750Ala)

Gene: PDGFRA (platelet derived growth factor receptor alpha; plus strand). Cytogenetic location: 4q12.
Variant type: single nucleotide variant.
Coding change: c.2249A>C on transcript NM_006206.6 (MANE Select); coding-DNA position 2249, A replaced by C.
Protein change: p.Glu750Ala; replaces glutamic acid 750 with alanine.
Molecular consequence: missense variant.
Genome position (GRCh38, 1-based): chr4:54,280,408, A>C. VCF-style: chr4-54280408-A-C. GRCh37 (hg19) VCF-style: chr4-55146575-A-C.
Other names: c.2249A>C, p.Glu750Ala (NM_001347827.2, NM_001347829.2); c.2324A>C, p.Glu775Ala (NM_001347828.2); c.2288A>C, p.Glu763Ala (NM_001347830.2); short protein forms E750A, E775A, E763A.
Identifiers: ClinVar variation 4744589 (VCV004744589.1).
Genomic context (GRCh38, chr4:54,280,408, plus strand): 5'-ACTACATGGACATGAAGCAGGCTGATACTACACAGTATGTCCCCATGCTAGAAAGGAAAG[A>C]GGTTTCTAAATATTCCGACATCCAGAGATCACTCTATGATCGTCCAGCCTCATATAAGAA-3'
Protein context (NP_006197.1, residues 740-760): TQYVPMLERK[Glu750Ala]VSKYSDIQRS